The following is an entry in ClinVar:

NM_001077365.2(POMT1):c.178T>C (p.Phe60Leu)

Gene: POMT1 (protein O-mannosyltransferase 1; plus strand). Cytogenetic location: 9q34.13.
Variant type: single nucleotide variant.
Coding change: c.178T>C on transcript NM_001077365.2 (MANE Select); coding-DNA position 178, T replaced by C.
Protein change: p.Phe60Leu; replaces phenylalanine 60 with leucine.
Molecular consequence: missense variant. On other transcripts: non-coding transcript variant (7), intron variant (8).
Genome position (GRCh38, 1-based): chr9:131,506,169, T>C. VCF-style: chr9-131506169-T-C. GRCh37 (hg19) VCF-style: chr9-134381556-T-C.
Other names: c.16T>C, p.Phe6Leu (NM_001077366.2, NM_001353194.2, NM_001353197.2 and 3 more transcripts); c.178T>C, p.Phe60Leu (NM_001136113.2, NM_001353193.2, NM_001374690.1 and 1 more transcripts); c.-71-1199T>C (NM_001374691.1, NM_001374692.1); c.123-234T>C (NM_001353196.2); c.-122-234T>C (NM_001353195.2, NM_001353199.2, NM_001136114.2); c.-30+1829T>C (NM_001374695.1); c.-80-234T>C (NM_001353200.2); short protein forms F60L, F6L.
Identifiers: ClinVar variation 586368 (VCV000586368.7), dbSNP rs1564332130, ClinGen allele CA375305659.

ClinVar aggregate classification (germline): Uncertain significance. Review status: criteria provided, multiple submitters, no conflicts (2 of 4 stars). 2 submissions from 2 submitters: Uncertain significance (2). Last evaluated 2023-12-06.

Conditions:
Muscular dystrophy-dystroglycanopathy (congenital with impaired intellectual development), type B, 1. Also called: Muscular dystrophy-dystroglycanopathy (congenital with intellectual disability), type B1; MUSCULAR DYSTROPHY, CONGENITAL, POMT1-RELATED. Identifiers: MedGen C5436962, MONDO:0013159, OMIM 613155.
Autosomal recessive limb-girdle muscular dystrophy type 2K. Also called: MUSCULAR DYSTROPHY-DYSTROGLYCANOPATHY (LIMB-GIRDLE), TYPE C, 1; MUSCULAR DYSTROPHY, LIMB-GIRDLE, TYPE 2K. Identifiers: Orphanet 86812, MedGen C1836373, MONDO:0012248, OMIM 609308.
Walker-Warburg congenital muscular dystrophy. Also called: Muscular dystrophy-dystroglycanopathy, type A; Walker-Warburg syndrome. Identifiers: Orphanet 899, MedGen C0265221, MONDO:0000171.

Submissions (2):

Labcorp Genetics (formerly Invitae), Labcorp
Classification: Uncertain significance for Muscular dystrophy-dystroglycanopathy (congenital with impaired intellectual development), type B, 1; Walker-Warburg congenital muscular dystrophy; Autosomal recessive limb-girdle muscular dystrophy type 2K. Last evaluated: 2023-12-06. Review status: criteria provided, single submitter. Criteria: Invitae Variant Classification Sherloc (09022015). Collection method: clinical testing. Allele origin: germline.
Comment: This sequence change replaces phenylalanine, which is neutral and non-polar, with leucine, which is neutral and non-polar, at codon 60 of the POMT1 protein (p.Phe60Leu). This variant is not present in population databases (gnomAD no frequency). This variant has not been reported in the literature in individuals affected with POMT1-related conditions. ClinVar contains an entry for this variant (Variation ID: 586368). Advanced modeling of protein sequence and biophysical properties (such as structural, functional, and spatial information, amino acid conservation, physicochemical variation, residue mobility, and thermodynamic stability) performed at Invitae indicates that this missense variant is expected to disrupt POMT1 protein function with a positive predictive value of 80%. In summary, the available evidence is currently insufficient to determine the role of this variant in disease. Therefore, it has been classified as a Variant of Uncertain Significance.

Athena Diagnostics
Classification: Uncertain significance. Last evaluated: 2017-09-14. Review status: criteria provided, single submitter. Criteria: Athena Diagnostics Criteria. Collection method: clinical testing. Allele origin: germline.